The following is an entry in ClinVar:

ClinVar aggregate classification (germline): Uncertain significance (1 of 4 stars; one submission).

Conditions:
MHC class I deficiency. Identifiers: Orphanet 34592, MedGen C6024714, MONDO:0011476.

Allele frequency attached by ClinVar (database versions not stated): TOPMed 0.00001; gnomAD exomes below 0.00001.

Submission:

Labcorp Genetics (formerly Invitae), Labcorp
Classification: Uncertain significance for MHC class I deficiency 1. Last evaluated: 2024-04-15. Review status: criteria provided, single submitter. Criteria: Invitae Variant Classification Sherloc (09022015). Collection method: clinical testing. Allele origin: germline.
Comment: This sequence change replaces threonine, which is neutral and polar, with isoleucine, which is neutral and non-polar, at codon 587 of the TAP1 protein (p.Thr587Ile). This variant is not present in population databases (gnomAD no frequency). This variant has not been reported in the literature in individuals affected with TAP1-related conditions. ClinVar contains an entry for this variant (Variation ID: 2192541). An algorithm developed to predict the effect of missense changes on protein structure and function (PolyPhen-2) suggests that this variant is likely to be disruptive. In summary, the available evidence is currently insufficient to determine the role of this variant in disease. Therefore, it has been classified as a Variant of Uncertain Significance.

NM_000593.6(TAP1):c.1580C>T (p.Thr527Ile)

Gene: TAP1 (transporter 1, ATP binding cassette subfamily B member; minus strand). Cytogenetic location: 6p21.32.
Variant type: single nucleotide variant.
Coding change: c.1580C>T on transcript NM_000593.6 (MANE Select); coding-DNA position 1580, C replaced by T.
Protein change: p.Thr527Ile; replaces threonine 527 with isoleucine.
Molecular consequence: missense variant.
Genome position (GRCh38, 1-based): chr6:32,848,079, G>A on the plus strand (C>T on the coding strand, the complement: TAP1 is on the minus strand). VCF-style: chr6-32848079-G-A. GRCh37 (hg19) VCF-style: chr6-32815856-G-A.
Other names: c.977C>T, p.Thr326Ile (NM_001292022.2); short protein forms T326I, T527I.
Identifiers: ClinVar variation 2192541 (VCV002192541.4), dbSNP rs992701141, ClinGen allele CA137014424.